The following is an entry in ClinVar:

NM_145045.5(ODAD3):c.1178G>A (p.Ser393Asn)

Gene: ODAD3 (outer dynein arm docking complex subunit 3; minus strand). Cytogenetic location: 19p13.2.
Variant type: single nucleotide variant.
Coding change: c.1178G>A on transcript NM_145045.5 (MANE Select); coding-DNA position 1178, G replaced by A.
Protein change: p.Ser393Asn; replaces serine 393 with asparagine.
Molecular consequence: missense variant.
Genome position (GRCh38, 1-based): chr19:11,422,800, C>T on the plus strand (G>A on the coding strand, the complement: ODAD3 is on the minus strand). VCF-style: chr19-11422800-C-T. GRCh37 (hg19) VCF-style: chr19-11533468-C-T.
Other names: c.1016G>A, p.Ser339Asn (NM_001302453.1); c.998G>A, p.Ser333Asn (NM_001302454.2); short protein forms S333N, S339N, S393N.
Identifiers: ClinVar variation 1897210 (VCV001897210.3), dbSNP rs373223402, ClinGen allele CA9212095.

ClinVar aggregate classification (germline): Uncertain significance (1 of 4 stars; one submission).

Conditions:
Primary ciliary dyskinesia 30. Also called: CILIARY DYSKINESIA, PRIMARY, 30, WITH OR WITHOUT SITUS INVERSUS. Identifiers: Orphanet 244, MedGen C4015016, MONDO:0014465, OMIM 616037.

Allele frequency attached by ClinVar (database versions not stated): TOPMed below 0.00001; ExAC 0.00001; gnomAD exomes 0.00001; ESP Exome Variant Server 0.00008.
gnomAD v4.1: 7 of 1,610,052 alleles (0.00043%); highest among the groups gnomAD compares: Non-Finnish European, 0.00059%; no homozygotes.

Submission:

Labcorp Genetics (formerly Invitae), Labcorp
Classification: Uncertain significance for Primary ciliary dyskinesia 30. Last evaluated: 2024-10-25. Review status: criteria provided, single submitter. Criteria: Invitae Variant Classification Sherloc (09022015). Collection method: clinical testing. Allele origin: germline.
Comment: This sequence change replaces serine, which is neutral and polar, with asparagine, which is neutral and polar, at codon 393 of the CCDC151 protein (p.Ser393Asn). This variant is present in population databases (rs373223402, gnomAD 0.0009%). This variant has not been reported in the literature in individuals affected with CCDC151-related conditions. ClinVar contains an entry for this variant (Variation ID: 1897210). An algorithm developed to predict the effect of missense changes on protein structure and function outputs the following: PolyPhen-2: "Benign". The asparagine amino acid residue is found in multiple mammalian species, which suggests that this missense change does not adversely affect protein function. In summary, the available evidence is currently insufficient to determine the role of this variant in disease. Therefore, it has been classified as a Variant of Uncertain Significance.